The following is an entry in ClinVar:

ClinVar aggregate classification (germline): Uncertain significance (1 of 4 stars; one submission).

Conditions:
Beckwith-Wiedemann syndrome (BWS). Also called: Exomphalos macroglossia gigantism syndrome; EMG SYNDROME. Identifiers: Orphanet 116, MedGen C0004903, MONDO:0007534, OMIM 130650.

Submission:

Labcorp Genetics (formerly Invitae), Labcorp
Classification: Uncertain significance for Beckwith-Wiedemann syndrome. Last evaluated: 2018-11-20. Review status: criteria provided, single submitter. Criteria: Invitae Variant Classification Sherloc (09022015). Collection method: clinical testing. Allele origin: germline.
Comment: In summary, the available evidence is currently insufficient to determine the role of this variant in disease. Therefore, it has been classified as a Variant of Uncertain Significance. This variant has not been reported in the literature in individuals with CDKN1C-related disease. The frequency data for this variant in the population databases is considered unreliable, as metrics indicate insufficient coverage at this position in the ExAC database. This sequence change replaces alanine with proline at codon 277 of the CDKN1C protein (p.Ala277Pro). The alanine residue is moderately conserved and there is a small physicochemical difference between alanine and proline.

NM_001122630.2(CDKN1C):c.796G>C (p.Ala266Pro)

Gene: CDKN1C (cyclin dependent kinase inhibitor 1C; minus strand). Cytogenetic location: 11p15.4.
Variant type: single nucleotide variant.
Coding change: c.796G>C on transcript NM_001122630.2 (MANE Select); coding-DNA position 796, G replaced by C.
Protein change: p.Ala266Pro; replaces alanine 266 with proline.
Molecular consequence: missense variant. On other transcripts: synonymous variant (1).
Genome position (GRCh38, 1-based): chr11:2,884,126, C>G on the plus strand (G>C on the coding strand, the complement: CDKN1C is on the minus strand). VCF-style: chr11-2884126-C-G. GRCh37 (hg19) VCF-style: chr11-2905356-C-G.
Other names: c.829G>C, p.Ala277Pro (LRG_533t1, NM_000076.2, NM_001362474.2); c.796G>C, p.Ala266Pro (NM_001122631.2); c.264G>C, p.Ser88= (NM_001362475.2); short protein forms A266P, A277P.
Identifiers: ClinVar variation 651876 (VCV000651876.8), dbSNP rs759474789, ClinGen allele CA379145133.